The following is an entry in ClinVar:

NM_001080414.4(CCDC88C):c.3555dup (p.Glu1186fs)

Gene: CCDC88C (coiled-coil and HOOK domain protein 88C; minus strand). Cytogenetic location: 14q32.11.
Variant type: Duplication.
Coding change: c.3555dup on transcript NM_001080414.4 (MANE Select); coding-DNA position 3555, one base duplicated (C; older notation c.3555dupC).
Protein change: p.Glu1186fs; shifts the reading frame from glutamic acid 1186.
Molecular consequence: frameshift variant.
Genome position (GRCh38, 1-based): chr14:91,303,781, G duplicated on the plus strand (C on the coding strand, the reverse complement: CCDC88C is on the minus strand). VCF-style (leftmost placement, unchanged base first): chr14-91303780-C-CG. GRCh37 (hg19) VCF-style: chr14-91770124-C-CG.
Other names: short protein forms E1186fs.
Identifiers: ClinVar variation 2736898 (VCV002736898.3), dbSNP rs2544352172, ClinGen allele CA2697554123.

ClinVar aggregate classification (germline): Pathogenic (1 of 4 stars; one submission).

Submission:

Labcorp Genetics (formerly Invitae), Labcorp
Classification: Pathogenic. Last evaluated: 2023-07-07. Review status: criteria provided, single submitter. Criteria: Invitae Variant Classification Sherloc (09022015). Collection method: clinical testing. Allele origin: germline.
Comment: For these reasons, this variant has been classified as Pathogenic. This variant has not been reported in the literature in individuals affected with CCDC88C-related conditions. This variant is not present in population databases (gnomAD no frequency). This sequence change creates a premature translational stop signal (p.Glu1186Argfs*30) in the CCDC88C gene. It is expected to result in an absent or disrupted protein product. Loss-of-function variants in CCDC88C are known to be pathogenic (PMID: 23042809, 29225145).

Literature cited by the submitters: PubMed 23042809; PubMed 29225145.